The following is an entry in ClinVar:

ClinVar aggregate classification (germline): Conflicting classifications of pathogenicity. Review status: criteria provided, conflicting classifications (1 of 4 stars). 2 submissions from 2 submitters: Uncertain significance (1); Likely benign (1). Last evaluated 2026-02-03.

Allele frequency attached by ClinVar (database versions not stated): gnomAD exomes below 0.00001; gnomAD 0.00004; TOPMed 0.00004; ESP Exome Variant Server 0.00008.

Submissions (2):

Labcorp Genetics (formerly Invitae), Labcorp
Classification: Likely benign. Last evaluated: 2026-02-03. Review status: criteria provided, single submitter. Criteria: Invitae Variant Classification Sherloc (09022015). Collection method: clinical testing. Allele origin: germline.

Women's Health and Genetics/Laboratory Corporation of America, LabCorp
Classification: Uncertain significance. Last evaluated: 2024-07-08. Review status: criteria provided, single submitter. Criteria: LabCorp Variant Classification Summary - May 2015. Collection method: clinical testing. Allele origin: germline.
Comment: Variant summary: SLC1A2 c.54G>A (p.Met18Ile) results in a conservative amino acid change in the encoded protein sequence. Four of five in-silico tools predict a benign effect of the variant on protein function. The variant allele was found at a frequency of 8e-06 in 250954 control chromosomes. The available data on variant occurrences in the general population are insufficient to allow any conclusion about variant significance. To our knowledge, no occurrence of c.54G>A in individuals affected with Epileptic Encephalopathy, Early Infantile, 41 and no experimental evidence demonstrating its impact on protein function have been reported. ClinVar contains an entry for this variant (Variation ID: 2417731). Based on the evidence outlined above, the variant was classified as uncertain significance.

NM_004171.4(SLC1A2):c.54G>A (p.Met18Ile)

Gene: SLC1A2 (solute carrier family 1 member 2; minus strand). Cytogenetic location: 11p13.
Variant type: single nucleotide variant.
Coding change: c.54G>A on transcript NM_004171.4 (MANE Select); coding-DNA position 54, G replaced by A.
Protein change: p.Met18Ile; replaces methionine 18 with isoleucine.
Molecular consequence: missense variant.
Genome position (GRCh38, 1-based): chr11:35,317,480, C>T on the plus strand (G>A on the coding strand, the complement: SLC1A2 is on the minus strand). VCF-style: chr11-35317480-C-T. GRCh37 (hg19) VCF-style: chr11-35339027-C-T.
Other names: c.27G>A, p.Met9Ile (NM_001195728.3, NM_001252652.2); short protein forms M18I, M9I.
Identifiers: ClinVar variation 2417731 (VCV002417731.7), dbSNP rs371540867, ClinGen allele CA220526166.